The following is an entry in ClinVar:

NM_001739.2(CA5A):c.664C>T (p.Pro222Ser)

Gene: CA5A (carbonic anhydrase 5A; minus strand). Cytogenetic location: 16q24.2.
Variant type: single nucleotide variant.
Coding change: c.664C>T on transcript NM_001739.2 (MANE Select); coding-DNA position 664, C replaced by T.
Protein change: p.Pro222Ser; replaces proline 222 with serine.
Molecular consequence: missense variant. On other transcripts: non-coding transcript variant (2).
Genome position (GRCh38, 1-based): chr16:87,891,909, G>A on the plus strand (C>T on the coding strand, the complement: CA5A is on the minus strand). VCF-style: chr16-87891909-G-A. GRCh37 (hg19) VCF-style: chr16-87925515-G-A.
Other names: c.664C>T, p.Pro222Ser (NM_001367225.1); c.664C>T (NM_001739.1); short protein forms P222S.
Identifiers: ClinVar variation 2057694 (VCV002057694.5), dbSNP rs749940049, ClinGen allele CA8223325.

ClinVar aggregate classification (germline): Uncertain significance. Review status: criteria provided, multiple submitters, no conflicts (2 of 4 stars). 2 submissions from 2 submitters: Uncertain significance (2). Last evaluated 2025-12-11.

Conditions:
Inborn genetic diseases. Identifiers: MedGen C0950123, MeSH D030342.
Hyperammonemic encephalopathy due to carbonic anhydrase VA deficiency. Also called: Carbonic Anhydrase VA Deficiency; Carbonic anhydrase VA deficiency, hyperammonemia due to. Identifiers: Orphanet 401948, MedGen C4706871, MONDO:0014332, OMIM 615751.

Allele frequency attached by ClinVar (database versions not stated): ExAC 0.00002.
gnomAD v4.1: 9 of 1,567,742 alleles (0.00057%); highest among the groups gnomAD compares: Middle Eastern, 0.035%; no homozygotes.

Submissions (2):

Ambry Genetics
Classification: Uncertain significance for Inborn genetic diseases. Last evaluated: 2025-12-11. Review status: criteria provided, single submitter. Criteria: Ambry Variant Classification Scheme 2023. Collection method: clinical testing. Allele origin: germline.

Labcorp Genetics (formerly Invitae), Labcorp
Classification: Uncertain significance for Hyperammonemic encephalopathy due to carbonic anhydrase VA deficiency. Last evaluated: 2024-10-22. Review status: criteria provided, single submitter. Criteria: Invitae Variant Classification Sherloc (09022015). Collection method: clinical testing. Allele origin: germline.
Comment: This sequence change replaces proline, which is neutral and non-polar, with serine, which is neutral and polar, at codon 222 of the CA5A protein (p.Pro222Ser). The frequency data for this variant in the population databases is considered unreliable, as metrics indicate poor data quality at this position in the gnomAD database. This variant has not been reported in the literature in individuals affected with CA5A-related conditions. ClinVar contains an entry for this variant (Variation ID: 2057694). Invitae Evidence Modeling of protein sequence and biophysical properties (such as structural, functional, and spatial information, amino acid conservation, physicochemical variation, residue mobility, and thermodynamic stability) has been performed for this missense variant. However, the output from this modeling did not meet the statistical confidence thresholds required to predict the impact of this variant on CA5A protein function. In summary, the available evidence is currently insufficient to determine the role of this variant in disease. Therefore, it has been classified as a Variant of Uncertain Significance.